The following is an entry in ClinVar:

ClinVar aggregate classification (germline): Uncertain significance. Review status: criteria provided, multiple submitters, no conflicts (2 of 4 stars). 3 submissions from 3 submitters: Uncertain significance (3). Last evaluated 2025-03-20.

Conditions:
Hereditary cancer-predisposing syndrome. Also called: Tumor predisposition; Hereditary Cancer Syndrome; Hereditary neoplastic syndrome; Neoplastic Syndromes, Hereditary. Identifiers: Orphanet 140162, MedGen C0027672, MeSH D009386, MONDO:0015356.
Tumor predisposition syndrome 3 (TPDS3). Also called: Glioma susceptibility 9; LONG TELOMERE SYNDROME, POT1-RELATED; POT1 Tumor Predisposition; Melanoma, cutaneous malignant, susceptibility to, 10. Identifiers: Orphanet 618, MedGen C4014476, MONDO:0014368, OMIM 615848.

Submissions (3):

Ambry Genetics
Classification: Uncertain significance for Hereditary cancer-predisposing syndrome. Last evaluated: 2025-03-20. Review status: criteria provided, single submitter. Criteria: Ambry Variant Classification Scheme 2023. Collection method: clinical testing. Allele origin: germline.
Comment: The p.G170S variant (also known as c.508G>A), located in coding exon 4 of the POT1 gene, results from a G to A substitution at nucleotide position 508. The glycine at codon 170 is replaced by serine, an amino acid with similar properties. This amino acid position is well conserved in available vertebrate species. In addition, the in silico prediction for this alteration is inconclusive. Based on the available evidence, the clinical significance of this variant remains unclear.

Labcorp Genetics (formerly Invitae), Labcorp
Classification: Uncertain significance for Tumor predisposition syndrome 3. Last evaluated: 2024-04-04. Review status: criteria provided, single submitter. Criteria: Invitae Variant Classification Sherloc (09022015). Collection method: clinical testing. Allele origin: germline.
Comment: This sequence change replaces glycine, which is neutral and non-polar, with serine, which is neutral and polar, at codon 170 of the POT1 protein (p.Gly170Ser). This variant is not present in population databases (gnomAD no frequency). This variant has not been reported in the literature in individuals affected with POT1-related conditions. ClinVar contains an entry for this variant (Variation ID: 825427). Advanced modeling of protein sequence and biophysical properties (such as structural, functional, and spatial information, amino acid conservation, physicochemical variation, residue mobility, and thermodynamic stability) performed at Invitae indicates that this missense variant is not expected to disrupt POT1 protein function with a negative predictive value of 80%. In summary, the available evidence is currently insufficient to determine the role of this variant in disease. Therefore, it has been classified as a Variant of Uncertain Significance.

GeneDx
Classification: Uncertain significance. Last evaluated: 2024-01-31. Review status: criteria provided, single submitter. Criteria: GeneDx Variant Classification Process June 2021. Collection method: clinical testing. Allele origin: germline. Affected: yes.
Comment: Not observed at significant frequency in large population cohorts (gnomAD); In silico analysis supports that this missense variant does not alter protein structure/function; Has not been previously published as pathogenic or benign to our knowledge; This variant is associated with the following publications: (PMID: 28393830)

NM_015450.3(POT1):c.508G>A (p.Gly170Ser)

Gene: POT1 (protection of telomeres 1; minus strand). Cytogenetic location: 7q31.33.
Variant type: single nucleotide variant.
Coding change: c.508G>A on transcript NM_015450.3 (MANE Select); coding-DNA position 508, G replaced by A.
Protein change: p.Gly170Ser; replaces glycine 170 with serine.
Molecular consequence: missense variant. On other transcripts: non-coding transcript variant (3).
Genome position (GRCh38, 1-based): chr7:124,863,388, C>T on the plus strand (G>A on the coding strand, the complement: POT1 is on the minus strand). VCF-style: chr7-124863388-C-T. GRCh37 (hg19) VCF-style: chr7-124503442-C-T.
Other names: c.115G>A, p.Gly39Ser (NM_001042594.2); short protein forms G39S, G170S.
Identifiers: ClinVar variation 825427 (VCV000825427.12), dbSNP rs1584772921, ClinGen allele CA369058795.